The following is an entry in ClinVar:

ClinVar aggregate classification (germline): Likely benign (1 of 4 stars; one submission).

Conditions:
Marfan syndrome (MFS). Also called: MARFAN SYNDROME, TYPE I; Marfan syndrome type 1; Marfan's syndrome; Marfan syndrome, classic; FBN1-Related Marfan Syndrome. Identifiers: Orphanet 284963, Orphanet 558, MedGen C0024796, MONDO:0007947, OMIM 154700.

gnomAD v4.1: 5 of 1,614,070 alleles (0.00031%); highest among the groups gnomAD compares: Non-Finnish European, 0.00042%; no homozygotes.

Submission:

All of Us Research Program, National Institutes of Health
Classification: Likely benign for Marfan syndrome. Last evaluated: 2023-12-13. Review status: criteria provided, single submitter. Criteria: ACMG Guidelines, 2015. Collection method: clinical testing. Allele origin: germline. Inheritance: Autosomal dominant inheritance. Observed: 1 variant allele, 1 heterozygote.
Comment: This study involves interpretation of variants in research participants for the purpose of population health screening. Participant phenotype was not available at the time of variant classification. Additional details can be found in publication PMID: 35346344, PMCID: PMC8962531

NM_000138.5(FBN1):c.7491G>A (p.Gln2497=)

Gene: FBN1 (fibrillin 1; minus strand). Cytogenetic location: 15q21.1.
Variant type: single nucleotide variant.
Coding change: c.7491G>A on transcript NM_000138.5 (MANE Select); coding-DNA position 7491, G replaced by A.
Protein change: p.Gln2497=; no amino-acid change (glutamine 2497 retained).
Molecular consequence: synonymous variant.
Genome position (GRCh38, 1-based): chr15:48,422,031, C>T on the plus strand (G>A on the coding strand, the complement: FBN1 is on the minus strand). VCF-style: chr15-48422031-C-T. GRCh37 (hg19) VCF-style: chr15-48714228-C-T.
Other names: c.7491G>A, p.Gln2497= (NM_001406716.1).
Identifiers: ClinVar variation 3074911 (VCV003074911.1), dbSNP rs775174057, ClinGen allele CA058677.